The following is an entry in ClinVar:

ClinVar aggregate classification (germline): Uncertain significance (1 of 4 stars; one submission).

Submission:

Ambry Genetics
Classification: Uncertain significance. Last evaluated: 2023-05-02. Review status: criteria provided, single submitter. Criteria: Ambry Variant Classification Scheme 2023. Collection method: clinical testing. Allele origin: germline.
Comment: The p.H430L variant (also known as c.1289A>T), located in coding exon 12 of the BUB1 gene, results from an A to T substitution at nucleotide position 1289. The histidine at codon 430 is replaced by leucine, an amino acid with similar properties. This amino acid position is conserved. In addition, this alteration is predicted to be tolerated by in silico analysis. Since supporting evidence is limited at this time, the clinical significance of this alteration remains unclear.

NM_004336.5(BUB1):c.1289A>T (p.His430Leu)

Gene: BUB1 (BUB1 mitotic checkpoint serine/threonine kinase; minus strand). Cytogenetic location: 2q13.
Variant type: single nucleotide variant.
Coding change: c.1289A>T on transcript NM_004336.5 (MANE Select); coding-DNA position 1289, A replaced by T.
Protein change: p.His430Leu; replaces histidine 430 with leucine.
Molecular consequence: missense variant.
Genome position (GRCh38, 1-based): chr2:110,658,730, T>A on the plus strand (A>T on the coding strand, the complement: BUB1 is on the minus strand). VCF-style: chr2-110658730-T-A. GRCh37 (hg19) VCF-style: chr2-111416307-T-A.
Other names: c.1229A>T, p.His410Leu (NM_001278616.2); c.1289A>T, p.His430Leu (NM_001278617.2); short protein forms H410L, H430L.
Identifiers: ClinVar variation 2565802 (VCV002565802.2), dbSNP rs759911655, ClinGen allele CA348212862.
Genomic context (GRCh38, chr2:110,658,730, plus strand): 5'-TGAACCATTCCCAGTGATGTGTTTGGAGTTGTGTGAAAAGAACTTGTGTTGGCAACCTTA[T>A]GTGTTTCACACCCTAGCAAAGAAATGGAGACAAAATGTGGTATCAGTAGGGAAATCAGAA-3'
Protein context (NP_004327.1, residues 420-440): GAEIKEGCET[His430Leu]KVANTSSFHT